The following is an entry in ClinVar:

NM_001080421.3(UNC13A):c.2703C>T (p.Leu901=)

Gene: UNC13A (unc-13 homolog A; minus strand). Cytogenetic location: 19p13.11.
Variant type: single nucleotide variant.
Coding change: c.2703C>T on transcript NM_001080421.3 (MANE Select); coding-DNA position 2703, C replaced by T.
Protein change: p.Leu901=; no amino-acid change (leucine 901 retained).
Molecular consequence: synonymous variant.
Genome position (GRCh38, 1-based): chr19:17,640,595, G>A on the plus strand (C>T on the coding strand, the complement: UNC13A is on the minus strand). VCF-style: chr19-17640595-G-A. GRCh37 (hg19) VCF-style: chr19-17751404-G-A.
Other names: c.2697C>T, p.Leu899= (NM_001387021.1, NM_001387022.1, NM_001387023.1).
Identifiers: ClinVar variation 716699 (VCV000716699.7), dbSNP rs372635194, ClinGen allele CA9298185.

ClinVar aggregate classification (germline): Benign. Review status: criteria provided, multiple submitters, no conflicts (2 of 4 stars). 3 submissions from 3 submitters: Benign (2). 1 of the submissions does not count toward it. Last evaluated 2019-12-31.

Conditions:
UNC13A-related disorder. Also called: UNC13A-related condition.

Allele frequency attached by ClinVar (database versions not stated): ESP Exome Variant Server 0.00008; gnomAD 0.00016 and 0.00020; TOPMed 0.00024; gnomAD exomes 0.00036; 1000 Genomes Project 0.00060; 1000 Genomes Project 30x 0.00062; ExAC 0.00066.
gnomAD v4.1: 165 of 1,582,196 alleles (0.01%); highest among the groups gnomAD compares: East Asian, 0.28%; 1 homozygote.

Submissions (3):

Labcorp Genetics (formerly Invitae), Labcorp
Classification: Benign. Last evaluated: 2019-12-31. Review status: criteria provided, single submitter. Criteria: Invitae Variant Classification Sherloc (09022015). Collection method: clinical testing. Allele origin: germline.

Breakthrough Genomics
Classification: Benign. Review status: criteria provided, single submitter. Criteria: ACMG Guidelines, 2015. Collection method: not provided. Allele origin: germline. Inheritance: Unknown mechanism. Affected: yes.

PreventionGenetics, part of Exact Sciences
Classification: Likely benign for UNC13A-related condition. Last evaluated: 2023-02-09. Review status: no assertion criteria provided. Collection method: clinical testing. Allele origin: germline. Not counted in ClinVar's aggregate classification.
Comment: This variant is classified as likely benign based on ACMG/AMP sequence variant interpretation guidelines (Richards et al. 2015 PMID: 25741868, with internal and published modifications).